The following is an entry in ClinVar:

ClinVar aggregate classification (germline): Uncertain significance (1 of 4 stars; one submission).

Submission:

GeneDx
Classification: Uncertain significance. Last evaluated: 2025-02-04. Review status: criteria provided, single submitter. Criteria: GeneDx Variant Classification Process June 2021. Collection method: clinical testing. Allele origin: germline. Affected: yes.
Comment: Not observed at significant frequency in large population cohorts (gnomAD); Nonsense variant predicted to result in protein truncation as the last 271 amino acid(s) are lost; Has not been previously published as pathogenic or benign germline to our knowledge; This variant is associated with the following publications: (PMID: 30091462)

NM_021784.5(FOXA2):c.577C>T (p.Gln193Ter)

Gene: FOXA2 (forkhead box A2; minus strand). Cytogenetic location: 20p11.21.
Variant type: single nucleotide variant.
Coding change: c.577C>T on transcript NM_021784.5 (MANE Select); coding-DNA position 577, C replaced by T.
Protein change: p.Gln193Ter; replaces glutamine 193 with a stop codon.
Molecular consequence: nonsense.
Genome position (GRCh38, 1-based): chr20:22,582,665, G>A on the plus strand (C>T on the coding strand, the complement: FOXA2 is on the minus strand). VCF-style: chr20-22582665-G-A. GRCh37 (hg19) VCF-style: chr20-22563303-G-A.
Other names: c.559C>T, p.Gln187Ter (NM_153675.3); short protein forms Q187*, Q193*.
Identifiers: ClinVar variation 4072513 (VCV004072513.1).